The following is an entry in ClinVar:

ClinVar aggregate classification (germline): Uncertain significance (1 of 4 stars; one submission).

Conditions:
Atypical hemolytic-uremic syndrome. Identifiers: Orphanet 2134, MedGen C2931788, MONDO:0016244.

gnomAD v4.1: 5 of 1,613,112 alleles (0.00031%); highest among the groups gnomAD compares: Non-Finnish European, 0.00042%; no homozygotes.

Submission:

Genomenon, Inc
Classification: Uncertain significance for Atypical hemolytic-uremic syndrome. Last evaluated: 2025-10-02. Review status: criteria provided, single submitter. Criteria: Genomenon Sequence Variant Interpretation Standards. Collection method: curation. Allele origin: germline. Affected: yes.
Comment: CD46 p.Ser304Phe (c.911C>T) is a missense variant that changes the amino acid at residue 304 from Serine to Phenylalanine. This variant has been observed in at least one proband affected with atypical hemolytic-uremic syndrome (PMID:29644059). It is absent or not present at a significant frequency in gnomAD. In silico models agree that this variant is not damaging. In conclusion, we classify CD46 p.Ser304Phe (c.911C>T) as a variant of uncertain significance.

Literature cited by the submitters: PubMed 29644059.

NM_172351.3(CD46):c.866C>T (p.Ser289Phe)

Gene: CD46 (CD46 molecule; plus strand). Cytogenetic location: 1q32.2.
Variant type: single nucleotide variant.
Coding change: c.866C>T on transcript NM_172351.3 (MANE Select); coding-DNA position 866, C replaced by T.
Protein change: p.Ser289Phe; replaces serine 289 with phenylalanine.
Molecular consequence: missense variant. On other transcripts: intron variant (5).
Genome position (GRCh38, 1-based): chr1:207,767,788, C>T. VCF-style: chr1-207767788-C-T. GRCh37 (hg19) VCF-style: chr1-207941133-C-T.
Other names: c.911C>T, p.Ser304Phe (NM_002389.4, NM_172359.3); c.866C>T, p.Ser289Phe (NM_153826.4, NM_172355.3, NM_172356.3 and 1 more transcripts); c.856+593C>T (NM_172352.3, NM_172353.3, NM_172350.3 and 2 more transcripts); short protein forms S289F, S304F.
Identifiers: ClinVar variation 4291194 (VCV004291194.1).
Genomic context (GRCh38, chr1:207,767,788, plus strand): 5'-CAATAACTCCCAAGTGTTTGGTCCAATCTACATTATTATTTTGTTTTCCAGTGTCGACTT[C>T]TTCCACTACAAAATCTCCAGCGTCCAGTGCCTCAGGTTTAGTAATTTCCTGCTTATAGTT-3'
Protein context (NP_758861.1, residues 279-299): PVPKCLKVST[Ser289Phe]STTKSPASSA